The following is an entry in ClinVar:

NM_000264.5(PTCH1):c.1699A>G (p.Ile567Val)

Gene: PTCH1 (patched 1; minus strand). Cytogenetic location: 9q22.32.
Variant type: single nucleotide variant.
Coding change: c.1699A>G on transcript NM_000264.5 (MANE Select); coding-DNA position 1699, A replaced by G.
Protein change: p.Ile567Val; replaces isoleucine 567 with valine.
Molecular consequence: missense variant. On other transcripts: non-coding transcript variant (1).
Genome position (GRCh38, 1-based): chr9:95,476,063, T>C on the plus strand (A>G on the coding strand, the complement: PTCH1 is on the minus strand). VCF-style: chr9-95476063-T-C. GRCh37 (hg19) VCF-style: chr9-98238345-T-C.
Other names: c.1501A>G, p.Ile501Val (NM_001083602.3); c.1696A>G, p.Ile566Val (NM_001083603.3); c.1246A>G, p.Ile416Val (NM_001083604.3, NM_001083605.3, NM_001083606.3 and 1 more transcripts); c.1543A>G, p.Ile515Val (NM_001354918.2); short protein forms I566V, I567V, I515V, I416V, I501V.
Identifiers: ClinVar variation 1430588 (VCV001430588.9), dbSNP rs200504753, ClinGen allele CA5138580.

ClinVar aggregate classification (germline): Uncertain significance. Review status: criteria provided, multiple submitters, no conflicts (2 of 4 stars). 2 submissions from 2 submitters: Uncertain significance (2). Last evaluated 2024-12-16.

Conditions:
Hereditary cancer-predisposing syndrome. Also called: Hereditary neoplastic syndrome; Tumor predisposition; Hereditary Cancer Syndrome; Neoplastic Syndromes, Hereditary. Identifiers: Orphanet 140162, MedGen C0027672, MeSH D009386, MONDO:0015356.
Gorlin syndrome. Also called: Nevoid Basal Cell Carcinoma Syndrome; Basal cell nevus syndrome. Identifiers: Orphanet 377, MedGen C0004779, MONDO:0007187.

Allele frequency attached by ClinVar (database versions not stated): gnomAD exomes below 0.00001 and 0.00001; ExAC 0.00001; gnomAD 0.00001; ESP Exome Variant Server 0.00008; 1000 Genomes Project 30x 0.00016; 1000 Genomes Project 0.00020.
gnomAD v4.1: 6 of 1,614,090 alleles (0.00037%); highest among the groups gnomAD compares: African/African-American, 0.0013%; no homozygotes.

Submissions (2):

Ambry Genetics
Classification: Uncertain significance for Hereditary cancer-predisposing syndrome. Last evaluated: 2024-12-16. Review status: criteria provided, single submitter. Criteria: Ambry Variant Classification Scheme 2023. Collection method: clinical testing. Allele origin: germline.
Comment: The p.I567V variant (also known as c.1699A>G), located in coding exon 12 of the PTCH1 gene, results from an A to G substitution at nucleotide position 1699. The isoleucine at codon 567 is replaced by valine, an amino acid with highly similar properties. This amino acid position is conserved. In addition, the in silico prediction for this alteration is inconclusive. Since supporting evidence is limited at this time, the clinical significance of this alteration remains unclear.

Labcorp Genetics (formerly Invitae), Labcorp
Classification: Uncertain significance for Gorlin syndrome. Last evaluated: 2021-08-23. Review status: criteria provided, single submitter. Criteria: Invitae Variant Classification Sherloc (09022015). Collection method: clinical testing. Allele origin: germline.
Comment: In summary, the available evidence is currently insufficient to determine the role of this variant in disease. Therefore, it has been classified as a Variant of Uncertain Significance. Algorithms developed to predict the effect of sequence changes on RNA splicing suggest that this variant may create or strengthen a splice site. Algorithms developed to predict the effect of missense changes on protein structure and function (SIFT, PolyPhen-2, Align-GVGD) all suggest that this variant is likely to be tolerated. This variant has not been reported in the literature in individuals affected with PTCH1-related conditions. This variant is present in population databases (rs200504753, ExAC 0.002%). This sequence change replaces isoleucine with valine at codon 567 of the PTCH1 protein (p.Ile567Val). The isoleucine residue is moderately conserved and there is a small physicochemical difference between isoleucine and valine.